The following is an entry in ClinVar:

ClinVar aggregate classification (germline): Likely benign. Review status: criteria provided, multiple submitters, no conflicts (2 of 4 stars). 2 submissions from 2 submitters: Likely benign (2). Last evaluated 2025-04-02.

Conditions:
Renal cell carcinoma. Identifiers: Orphanet 217071, MedGen C0007134, MeSH D002292, MONDO:0005086, HP:0005584.
Papillary renal cell carcinoma type 1 (RCCP1). Also called: RENAL CELL CARCINOMA, PAPILLARY, 1, SOMATIC; Renal adenocarcinoma; Renal cell carcinoma 1; Renal cell carcinoma, somatic. Identifiers: Orphanet 47044, MedGen C1336839, OMIM 605074, HP:0011797.

Allele frequency attached by ClinVar (database versions not stated): gnomAD 0.00001; TOPMed 0.00001.
gnomAD v4.1: 2 of 1,609,784 alleles (0.00012%); highest among the groups gnomAD compares: Admixed American, 0.0017%; no homozygotes.

Submissions (2):

Labcorp Genetics (formerly Invitae), Labcorp
Classification: Likely benign for Renal cell carcinoma. Last evaluated: 2025-04-02. Review status: criteria provided, single submitter. Criteria: Invitae Variant Classification Sherloc (09022015). Collection method: clinical testing. Allele origin: germline.

Myriad Genetics, Inc.
Classification: Likely benign for Papillary renal cell carcinoma type 1. Last evaluated: 2024-11-11. Review status: criteria provided, single submitter. Criteria: Myriad Autosomal Dominant, Autosomal Recessive and X-Linked Classification Criteria (2023). Collection method: clinical testing. Allele origin: unknown.
Comment: This variant is considered likely benign. This variant is intronic and is not expected to impact mRNA splicing.

NM_000245.4(MET):c.2365-11T>C

Gene: MET (MET proto-oncogene, receptor tyrosine kinase; plus strand). Cytogenetic location: 7q31.2.
Variant type: single nucleotide variant.
Coding change: c.2365-11T>C on transcript NM_000245.4 (MANE Select); 11 bases into the intron before coding-DNA position 2365, T replaced by C.
Molecular consequence: intron variant.
Genome position (GRCh38, 1-based): chr7:116,763,039, T>C. VCF-style: chr7-116763039-T-C. GRCh37 (hg19) VCF-style: chr7-116403093-T-C.
Other names: c.2419-11T>C (NM_001127500.3); c.1075-11T>C (NM_001324402.2); c.2365-11T>C (NM_001324401.3).
Identifiers: ClinVar variation 1539931 (VCV001539931.9), dbSNP rs1367439751, ClinGen allele CA577680455.